The following is an entry in ClinVar:

NM_001267550.2(TTN):c.28524del (p.Asn9509fs)

Gene: TTN (titin; minus strand). Cytogenetic location: 2q31.2.
Variant type: Deletion.
Coding change: c.28524del on transcript NM_001267550.2 (MANE Select); coding-DNA position 28524, one base deleted (G; older notation c.28524delG).
Protein change: p.Asn9509fs; shifts the reading frame from asparagine 9509.
Molecular consequence: frameshift variant. On other transcripts: intron variant (3).
Genome position (GRCh38, 1-based): chr2:178,709,795, C deleted on the plus strand (G on the coding strand, the reverse complement: TTN is on the minus strand); the first of 3 consecutive C bases (chr2:178,709,795-178,709,797); deleting any one gives the same sequence. VCF-style (leftmost placement, unchanged base first): chr2-178709794-TC-T. GRCh37 (hg19) VCF-style: chr2-179574521-TC-T.
Other names: c.28524delG (NM_001267550.2); c.27573del, p.Asn9192fs (NM_001256850.1); c.24792del, p.Asn8265fs (NM_133378.4); c.13282+28287del (NM_003319.4); c.13858+28287del (NM_133437.4); c.13657+28287del (NM_133432.3); short protein forms N9509fs, N8265fs, N9192fs.
Identifiers: ClinVar variation 657365 (VCV000657365.8), dbSNP rs1489175898, ClinGen allele CA761303030.
Genomic context (GRCh38, chr2:178,709,794, plus strand): 5'-TGTACCAGGCAACAGTTATAGGTTGGGAACCAGCCACACGTCCCTCAAGTTTGAAAGAAT[TC>T]CCTTCTGTTTCTTCTACTGTCTCTGAGAGTCTTTTAGTGAAACTTGGTGGGATGAGCCGC-3'

ClinVar aggregate classification (germline): Conflicting classifications of pathogenicity. Review status: criteria provided, conflicting classifications (1 of 4 stars). 2 submissions from 2 submitters: Likely pathogenic (1); Uncertain significance (1). Last evaluated 2025-01-29.

Conditions:
Dilated cardiomyopathy 1G (CMD1G). Identifiers: Orphanet 154, MedGen C1858763, MONDO:0011400, OMIM 604145.
Autosomal recessive limb-girdle muscular dystrophy type 2J (LGMDR10). Also called: Limb-girdle muscular dystrophy, type 2J; MUSCULAR DYSTROPHY, LIMB-GIRDLE, AUTOSOMAL RECESSIVE 10. Identifiers: Orphanet 140922, MedGen C1837342, MONDO:0012127, OMIM 608807.

Submissions (2):

Labcorp Genetics (formerly Invitae), Labcorp
Classification: Likely pathogenic for Dilated cardiomyopathy 1G; Autosomal recessive limb-girdle muscular dystrophy type 2J. Last evaluated: 2025-01-29. Review status: criteria provided, single submitter. Criteria: Invitae Variant Classification Sherloc (09022015). Collection method: clinical testing. Allele origin: germline.
Comment: This sequence change creates a premature translational stop signal (p.Asn9509Ilefs*15) in the TTN gene. While this is not anticipated to result in nonsense mediated decay, it is expected to create a truncated TTN protein. This variant is not present in population databases (gnomAD no frequency). This premature translational stop signal has been observed in individual(s) with dilated cardiomyopathy (internal data). ClinVar contains an entry for this variant (Variation ID: 657365). This variant is located in the I band of TTN (PMID: 25589632). Truncating variants in this region have been reported in individuals affected with autosomal recessive centronuclear myopathy (PMID: 23975875, internal data). Truncating variants in this region have also been identified in individuals affected with autosomal dominant dilated cardiomyopathy and/or cardio-related conditions (PMID: 27869827, 32964742, internal data). In summary, the currently available evidence indicates that the variant is pathogenic, but additional data are needed to prove that conclusively. Therefore, this variant has been classified as Likely Pathogenic.

AiLife Diagnostics
Classification: Uncertain significance. Last evaluated: 2022-01-01. Review status: criteria provided, single submitter. Criteria: ACMG Guidelines, 2015. Collection method: clinical testing. Allele origin: germline. Affected: yes. Observed: 1 variant allele.

Literature cited by the submitters: PubMed 25589632 (cited by Labcorp Genetics (formerly Invitae), Labcorp); PubMed 23975875 (cited by Labcorp Genetics (formerly Invitae), Labcorp); PubMed 27869827 (cited by Labcorp Genetics (formerly Invitae), Labcorp); PubMed 32964742 (cited by Labcorp Genetics (formerly Invitae), Labcorp).